The following is an entry in ClinVar:

NM_001374385.1(ATP8B1):c.3669C>T (p.Ser1223=)

Genes: ATP8B1 (ATPase phospholipid transporting 8B1; minus strand), ATP8B1-AS1 (ATP8B1 antisense RNA 1; plus strand). Cytogenetic location: 18q21.31.
Variant type: single nucleotide variant.
Coding change: c.3669C>T on transcript NM_001374385.1 (MANE Select); coding-DNA position 3669, C replaced by T.
Protein change: p.Ser1223=; no amino-acid change (serine 1223 retained).
Molecular consequence: synonymous variant.
Genome position (GRCh38, 1-based): chr18:57,648,575, G>A on the plus strand (C>T on the coding strand, the complement: ATP8B1 is on the minus strand). VCF-style: chr18-57648575-G-A. GRCh37 (hg19) VCF-style: chr18-55315807-G-A.
Other names: c.3519C>T, p.Ser1173= (NM_001374386.1); c.3669C>T, p.Ser1223= (NM_005603.6).
Identifiers: ClinVar variation 890565 (VCV000890565.8), dbSNP rs375842507, ClinGen allele CA8973944.
Genomic context (GRCh38, chr18:57,648,575, plus strand): 5'-CGCGGTGCCATCCGCCACGATGGCATCAAGCGGCGAGCGCTTCTTGCGGATGCTGCGCCC[G>A]GAGGAGATGAGGTCCGCGTAGCCCCGCTGGTGCGAGAAGGCGTAGGCCGAGCGCCGCGTT-3'
Protein context (NP_001361314.1, residues 1213-1233): HQRGYADLIS[Ser1223=]GRSIRKKRSP

ClinVar aggregate classification (germline): Conflicting classifications of pathogenicity. Review status: criteria provided, conflicting classifications (1 of 4 stars). 3 submissions from 3 submitters: Uncertain significance (1); Likely benign (2). Last evaluated 2026-04-14.

Conditions:
Familial intrahepatic cholestasis. Identifiers: Orphanet 284385, MedGen CN296401, MONDO:0017290.
Progressive familial intrahepatic cholestasis type 1. Also called: BYLER DISEASE; Byler's disease; Severe ATP8B1 Deficiency (Progressive Familial Intrahepatic Cholestasis Type 1 [PFIC1]). Identifiers: Orphanet 79306, MedGen C4551898, MONDO:0008892, OMIM 211600.

Allele frequency attached by ClinVar (database versions not stated): gnomAD exomes 0.00001 and 0.00002; ExAC 0.00002; gnomAD 0.00002; TOPMed 0.00002; ESP Exome Variant Server 0.00008.
gnomAD v4.1: 28 of 1,611,220 alleles (0.0017%); highest among the groups gnomAD compares: Non-Finnish European, 0.0021%; no homozygotes.

Submissions (3):

Genomenon, Inc
Classification: Likely benign for Familial intrahepatic cholestasis. Last evaluated: 2026-04-14. Review status: criteria provided, single submitter. Criteria: Genomenon Sequence Variant Interpretation Standards - Updated. Collection method: curation. Allele origin: germline. Affected: no.
Comment: ATP8B1 c.3669C>T is a synonymous variant that retains Serine at residue 1223. This variant has been reported in the published literature (PMID:24260417). It is absent or not present at a significant frequency in gnomAD. This synonymous variant is not predicted to impact splicing. In conclusion, we classify ATP8B1 p.Ser1223= (c.3669C>T) as a likely benign variant.

Labcorp Genetics (formerly Invitae), Labcorp
Classification: Likely benign. Last evaluated: 2024-03-03. Review status: criteria provided, single submitter. Criteria: Invitae Variant Classification Sherloc (09022015). Collection method: clinical testing. Allele origin: germline.

Illumina Laboratory Services, Illumina
Classification: Uncertain significance for Progressive familial intrahepatic cholestasis type 1. Last evaluated: 2017-04-28. Review status: criteria provided, single submitter. Criteria: ICSL Variant Classification Criteria 13 December 2019. Collection method: clinical testing. Allele origin: germline.
Comment: This variant was observed as part of a predisposition screen in an ostensibly healthy population. A literature search was performed for the gene, cDNA change, and amino acid change (where applicable). Publications were found based on this search. However, the evidence from the literature, in combination with allele frequency data from public databases where available, was not sufficient to rule this variant in or out of causing disease. Therefore, this variant is classified as a variant of unknown significance.

Literature cited by the submitters: PubMed 24260417 (cited by Genomenon, Inc and Illumina Laboratory Services, Illumina).